The following is an entry in ClinVar:

ClinVar aggregate classification (germline): Uncertain significance (1 of 4 stars; one submission).

Submission:

GeneDx
Classification: Uncertain significance. Last evaluated: 2022-03-03. Review status: criteria provided, single submitter. Criteria: GeneDx Variant Classification Process June 2021. Collection method: clinical testing. Allele origin: germline. Affected: yes.
Comment: Not observed at significant frequency in large population cohorts (gnomAD); In-frame deletion of 2 amino acids in a non-repeat region; In silico analysis supports a deleterious effect on protein structure/function; Has not been previously published as pathogenic or benign to our knowledge

NM_001348768.2(HECW2):c.2031GGA[1] (p.Glu679_Glu680del)

Gene: HECW2 (HECT, C2 and WW domain containing E3 ubiquitin protein ligase 2; minus strand). Cytogenetic location: 2q32.3.
Variant type: Microsatellite.
Coding change: c.2031GGA[1] on transcript NM_001348768.2 (MANE Select); one copy of the 3-base unit GGA starting at c.2031; the reference has three copies in a row; two copies, 6 bases deleted.
Protein change: p.Glu679_Glu680del.
Molecular consequence: inframe deletion.
Genome position (GRCh38, 1-based): chr2:196,318,851-196,318,856, TCCTCC deleted on the plus strand (GGAGGA on the coding strand, the reverse complement: HECW2 is on the minus strand); deleting any 6 consecutive bases within chr2:196,318,851-196,318,860 gives the same sequence; the position shown is the placement nearest the transcript's 3' end. VCF-style (leftmost placement, unchanged base first): chr2-196318850-TTCCTCC-T. GRCh37 (hg19) VCF-style: chr2-197183574-TTCCTCC-T.
Other names: c.963GGA[1], p.Glu323_Glu324del (NM_001304840.3); c.2031GGA[1], p.Glu679_Glu680del (NM_020760.4).
Identifiers: ClinVar variation 1707095 (VCV001707095.2), dbSNP rs1429088175, ClinGen allele CA762910474.